The following is an entry in ClinVar:

NM_001999.4(FBN2):c.5914C>T (p.Leu1972=)

Gene: FBN2 (fibrillin 2; minus strand). Cytogenetic location: 5q23.3.
Variant type: single nucleotide variant.
Coding change: c.5914C>T on transcript NM_001999.4 (MANE Select); coding-DNA position 5914, C replaced by T.
Protein change: p.Leu1972=; no amino-acid change (leucine 1972 retained).
Molecular consequence: synonymous variant.
Genome position (GRCh38, 1-based): chr5:128,302,976, G>A on the plus strand (C>T on the coding strand, the complement: FBN2 is on the minus strand). VCF-style: chr5-128302976-G-A. GRCh37 (hg19) VCF-style: chr5-127638668-G-A.
Identifiers: ClinVar variation 509077 (VCV000509077.1), dbSNP rs1554119518, ClinGen allele CA446306089.

ClinVar aggregate classification (germline): Likely benign (1 of 4 stars; one submission).

Submission:

GeneDx
Classification: Likely benign. Last evaluated: 2017-04-20. Review status: criteria provided, single submitter. Criteria: GeneDx Variant Classification (06012015). Collection method: clinical testing. Allele origin: germline. Affected: yes.
Comment: This variant is considered likely benign or benign based on one or more of the following criteria: it is a conservative change, it occurs at a poorly conserved position in the protein, it is predicted to be benign by multiple in silico algorithms, and/or has population frequency not consistent with disease.